The following is an entry in ClinVar:

ClinVar aggregate classification (germline): Pathogenic (1 of 4 stars; one submission).

Conditions:
Long QT syndrome (LQTS). Identifiers: MedGen C0023976, MeSH D008133, MONDO:0002442. Disease mechanism: loss of function. Inheritance: Various modes of inheritance.

Submission:

Labcorp Genetics (formerly Invitae), Labcorp
Classification: Pathogenic for Long QT syndrome. Last evaluated: 2017-09-18. Review status: criteria provided, single submitter. Criteria: Invitae Variant Classification Sherloc (09022015). Collection method: clinical testing. Allele origin: germline.
Comment: A gross deletion of the genomic region encompassing the full coding sequence of the KCNH2 gene has been identified. The boundaries of this event are unknown as the deletion extends beyond the assayed region for this gene and therefore may encompass additional genes. Although this specific deletion has not been previously reported, loss-of-function variants in KCNH2 are known to be pathogenic. Larger deletions of the 7q36.1,7q34 and 7q26.2 which encompass KCNH2, among other genes, have been previously reported in individuals affected with a range of symptoms including: seizures, long QT, prenatal growth retardation, intellectual disability and renal hyploplasia (PMID: 18348270, 16470702, 25606385, 19443486). For these reasons, this variant has been classified as Pathogenic.

Literature cited by the submitters: PubMed 16470702; PubMed 18348270; PubMed 19443486; PubMed 25606385.

NC_000007.13:g.(?_150642433)_(151573725_?)del

Genes: ABCF2 (ATP binding cassette subfamily F member 2; minus strand), ABCB8 (ATP binding cassette subfamily B member 8; plus strand), AGAP3 (ArfGAP with GTPase domain, ankyrin repeat and PH domain 3; plus strand), ASB10 (ankyrin repeat and SOCS box containing 10; minus strand), ASIC3 (acid sensing ion channel subunit 3; plus strand) and 16 more. Cytogenetic location: 7q36.1.
Variant type: Deletion.
Identifiers: ClinVar variation 527120 (VCV000527120.1).